The following is an entry in ClinVar:

ClinVar aggregate classification (germline): Uncertain significance. Review status: criteria provided, multiple submitters, no conflicts (2 of 4 stars). 2 submissions from 2 submitters: Uncertain significance (2). Last evaluated 2024-04-30.

Allele frequency attached by ClinVar (database versions not stated): ExAC 0.00003; ESP Exome Variant Server 0.00008; gnomAD 0.00008; TOPMed 0.00008.
gnomAD v4.1: 71 of 1,613,748 alleles (0.0044%); highest among the groups gnomAD compares: Non-Finnish European, 0.00059%; 1 homozygote.

Submissions (2):

Labcorp Genetics (formerly Invitae), Labcorp
Classification: Uncertain significance. Last evaluated: 2024-04-30. Review status: criteria provided, single submitter. Criteria: Invitae Variant Classification Sherloc (09022015). Collection method: clinical testing. Allele origin: germline.
Comment: This sequence change replaces glycine, which is neutral and non-polar, with arginine, which is basic and polar, at codon 31 of the COX4I2 protein (p.Gly31Arg). This variant is present in population databases (rs141463789, gnomAD 0.2%), and has an allele count higher than expected for a pathogenic variant. This variant has not been reported in the literature in individuals affected with COX4I2-related conditions. ClinVar contains an entry for this variant (Variation ID: 2357845). An algorithm developed to predict the effect of missense changes on protein structure and function (PolyPhen-2) suggests that this variant is likely to be tolerated. In summary, the available evidence is currently insufficient to determine the role of this variant in disease. Therefore, it has been classified as a Variant of Uncertain Significance.

Ambry Genetics
Classification: Uncertain significance. Last evaluated: 2022-12-14. Review status: criteria provided, single submitter. Criteria: Ambry Variant Classification Scheme 2023. Collection method: clinical testing. Allele origin: germline.

NM_032609.3(COX4I2):c.91G>C (p.Gly31Arg)

Gene: COX4I2 (cytochrome c oxidase subunit 4I2; plus strand). Cytogenetic location: 20q11.21.
Variant type: single nucleotide variant.
Coding change: c.91G>C on transcript NM_032609.3 (MANE Select); coding-DNA position 91, G replaced by C.
Protein change: p.Gly31Arg; replaces glycine 31 with arginine.
Molecular consequence: missense variant.
Genome position (GRCh38, 1-based): chr20:31,639,941, G>C. VCF-style: chr20-31639941-G-C. GRCh37 (hg19) VCF-style: chr20-30227744-G-C.
Other names: short protein forms G31R.
Identifiers: ClinVar variation 2357845 (VCV002357845.4), dbSNP rs141463789, ClinGen allele CA9801871.